The following is an entry in ClinVar:

NM_175914.5(HNF4A):c.641C>A (p.Ser214Tyr)

Gene: HNF4A (hepatocyte nuclear factor 4 alpha; plus strand). Cytogenetic location: 20q13.12.
Variant type: single nucleotide variant.
Coding change: c.641C>A on transcript NM_175914.5 (MANE Select); coding-DNA position 641, C replaced by A.
Protein change: p.Ser214Tyr; replaces serine 214 with tyrosine.
Molecular consequence: missense variant.
Genome position (GRCh38, 1-based): chr20:44,418,483, C>A. VCF-style: chr20-44418483-C-A. GRCh37 (hg19) VCF-style: chr20-43047123-C-A.
Other names: NM_175914.5:c.641C>A; c.707C>A, p.Ser236Tyr (NM_000457.6, NM_178849.3, NM_178850.3); c.641C>A, p.Ser214Tyr (NM_001030003.3, NM_001030004.3); c.686C>A, p.Ser229Tyr (NM_001258355.2); c.632C>A, p.Ser211Tyr (NM_001287182.2, NM_001287183.2, NM_001287184.2); short protein forms S211Y, S214Y, S229Y, S236Y.
Identifiers: ClinVar variation 3234006 (VCV003234006.1), dbSNP rs2515693213, ClinGen allele CA409106957.

ClinVar aggregate classification (germline): Uncertain significance (3 of 4 stars; one submission).

Conditions:
Monogenic diabetes. Identifiers: Orphanet 183625, MedGen C3888631, MONDO:0015967.

Submission:

ClinGen Monogenic Diabetes Variant Curation Expert Panel
Classification: Uncertain significance for Monogenic diabetes. Last evaluated: 2024-05-02. Review status: reviewed by expert panel. Criteria: ClinGen Diabetes ACMG Specifications HNF4A V2.0.0. Collection method: curation. Allele origin: germline. Inheritance: Autosomal dominant inheritance.
Comment: The c.641C>A variant in the hepatocyte nuclear factor 4 alpha gene, HNF4A, causes an amino acid change of serine to tyrosine at codon 214 (p.(Ser214Tyr)) of NM_175914.5. This variant is located within the ligand-binding domain (codons 180-220) of HNF4A, which is defined as critical for the protein's function by the ClinGen MDEP (PM1_Supporting). It is also predicted to be deleterious by computational evidence, with a REVEL score of 0.983, which is greater than the MDEP VCEP threshold of 0.70 (PP3). This variant is absent in gnomAD v2.1.1 (PM2_Supporting). This variant segregated with diabetes, with 3 informative meioses in a single family (PP1; internal lab contributor). Additionally, a number of other missense variants at this codon (c.640T>G, p.Ser214Ala; c.641C>T, p.Ser214Phe; c.640T>A, p.Ser214Thr) have been classified as VUS by the ClinGen MDEP; therefore, PM5 will not be applied. In summary, c.641C>A meets the criteria to be classified as a variant of uncertain significance for monogenic diabetes. ACMG/AMP criteria applied, as specified by the ClinGen MDEP (specification version 2.0.0, approved 10/11/2023): PP1, PP3, PM1_Supporting, PM2_Supporting.